The following is an entry in ClinVar:

NM_001365999.1(SZT2):c.6145C>T (p.His2049Tyr)

Gene: SZT2 (SZT2 subunit of KICSTOR complex; plus strand). Cytogenetic location: 1p34.2.
Variant type: single nucleotide variant.
Coding change: c.6145C>T on transcript NM_001365999.1 (MANE Select); coding-DNA position 6145, C replaced by T.
Protein change: p.His2049Tyr; replaces histidine 2049 with tyrosine.
Molecular consequence: missense variant.
Genome position (GRCh38, 1-based): chr1:43,437,281, C>T. VCF-style: chr1-43437281-C-T. GRCh37 (hg19) VCF-style: chr1-43902952-C-T.
Other names: c.5974C>T, p.His1992Tyr (NM_015284.4); short protein forms H2049Y, H1992Y.
Identifiers: ClinVar variation 942437 (VCV000942437.12), dbSNP rs566289796, ClinGen allele CA809801.

ClinVar aggregate classification (germline): Conflicting classifications of pathogenicity. Review status: criteria provided, conflicting classifications (1 of 4 stars). 2 submissions from 2 submitters: Likely pathogenic (1); Uncertain significance (1). Last evaluated 2025-12-02.

Allele frequency attached by ClinVar (database versions not stated): ExAC 0.00001; gnomAD 0.00001; gnomAD exomes 0.00001; 1000 Genomes Project 30x 0.00016; 1000 Genomes Project 0.00020.
gnomAD v4.1: 4 of 1,614,070 alleles (0.00025%); highest among the groups gnomAD compares: Admixed American, 0.005%; no homozygotes.

Submissions (2):

GeneDx
Classification: Likely pathogenic. Last evaluated: 2025-12-02. Review status: criteria provided, single submitter. Criteria: GeneDx Variant Classification Process June 2021. Collection method: clinical testing. Allele origin: germline. Affected: yes.
Comment: Not observed at significant frequency in large population cohorts (gnomAD); In silico analysis supports that this missense variant has a deleterious effect on protein structure/function; Has not been previously published as pathogenic or benign to our knowledge

Labcorp Genetics (formerly Invitae), Labcorp
Classification: Uncertain significance. Last evaluated: 2024-08-19. Review status: criteria provided, single submitter. Criteria: Invitae Variant Classification Sherloc (09022015). Collection method: clinical testing. Allele origin: germline.
Comment: This sequence change replaces histidine, which is basic and polar, with tyrosine, which is neutral and polar, at codon 1992 of the SZT2 protein (p.His1992Tyr). This variant is present in population databases (rs566289796, gnomAD 0.006%). This variant has not been reported in the literature in individuals affected with SZT2-related conditions. ClinVar contains an entry for this variant (Variation ID: 942437). Invitae Evidence Modeling of protein sequence and biophysical properties (such as structural, functional, and spatial information, amino acid conservation, physicochemical variation, residue mobility, and thermodynamic stability) indicates that this missense variant is expected to disrupt SZT2 protein function with a positive predictive value of 80%. In summary, the available evidence is currently insufficient to determine the role of this variant in disease. Therefore, it has been classified as a Variant of Uncertain Significance.